The following is an entry in ClinVar:

NM_000094.4(COL7A1):c.4303C>T (p.Gln1435Ter)

Gene: COL7A1 (collagen type VII alpha 1 chain; minus strand). Cytogenetic location: 3p21.31.
Variant type: single nucleotide variant.
Coding change: c.4303C>T on transcript NM_000094.4 (MANE Select); coding-DNA position 4303, C replaced by T.
Protein change: p.Gln1435Ter; replaces glutamine 1435 with a stop codon.
Molecular consequence: nonsense.
Genome position (GRCh38, 1-based): chr3:48,583,756, G>A on the plus strand (C>T on the coding strand, the complement: COL7A1 is on the minus strand). VCF-style: chr3-48583756-G-A. GRCh37 (hg19) VCF-style: chr3-48621189-G-A.
Other names: short protein forms Q1435*.
Identifiers: ClinVar variation 3000981 (VCV003000981.3), dbSNP rs1021165801, ClinGen allele CA352693551.
Genomic context (GRCh38, chr3:48,583,756, plus strand): 5'-ATCATCAAGTCAGCCTTCCTACTTTTTCTCCTTTCTTTCCAGGGGGGCCAACGGGGCCTT[G>A]GGGTCCAGGGCTTCCGGGAAGACCCTAGGAAGAAGTGAGTAAAAATATGAGCCAAGAACT-3'

ClinVar aggregate classification (germline): Pathogenic (1 of 4 stars; one submission).

Allele frequency attached by ClinVar (database versions not stated): gnomAD exomes below 0.00001.
gnomAD v4.1: 1 of 1,614,006 alleles (0.000062%); highest among the groups gnomAD compares: Non-Finnish European, 0.000085%; no homozygotes.

Submission:

Labcorp Genetics (formerly Invitae), Labcorp
Classification: Pathogenic. Last evaluated: 2023-12-22. Review status: criteria provided, single submitter. Criteria: Invitae Variant Classification Sherloc (09022015). Collection method: clinical testing. Allele origin: germline.
Comment: This sequence change creates a premature translational stop signal (p.Gln1435*) in the COL7A1 gene. It is expected to result in an absent or disrupted protein product. Loss-of-function variants in COL7A1 are known to be pathogenic (PMID: 16971478). This variant is not present in population databases (gnomAD no frequency). This variant has not been reported in the literature in individuals affected with COL7A1-related conditions. For these reasons, this variant has been classified as Pathogenic.

Literature cited by the submitters: PubMed 16971478.